The following is an entry in ClinVar:

NM_001032283.3(TMPO):c.153G>A (p.Pro51=)

Genes: TMPO (thymopoietin; plus strand), TMPO-AS1 (TMPO antisense RNA 1; minus strand). Cytogenetic location: 12q23.1.
Variant type: single nucleotide variant.
Coding change: c.153G>A on transcript NM_001032283.3 (MANE Select); coding-DNA position 153, G replaced by A.
Protein change: p.Pro51=; no amino-acid change (proline 51 retained).
Molecular consequence: synonymous variant. On other transcripts: non-coding transcript variant (1).
Genome position (GRCh38, 1-based): chr12:98,516,020, G>A. VCF-style: chr12-98516020-G-A. GRCh37 (hg19) VCF-style: chr12-98909798-G-A.
Other names: c.153G>A, p.Pro51= (NM_001032284.3, NM_001307975.2, NM_003276.2).
Identifiers: ClinVar variation 511913 (VCV000511913.12), dbSNP rs755323971, ClinGen allele CA6732115.

ClinVar aggregate classification (germline): Likely benign. Review status: criteria provided, multiple submitters, no conflicts (2 of 4 stars). 4 submissions from 4 submitters: Likely benign (4). Last evaluated 2026-01-13.

Conditions:
Loeys-Dietz syndrome 2 (LDS2). Also called: Marfan Syndrome type 2; Marfan like connective tissue disorder; MFS 2; Marfan syndrome, type 2 (formerly); AORTIC ANEURYSM, FAMILIAL THORACIC 3; MARFAN SYNDROME, TYPE II. Identifiers: Orphanet 284973, Orphanet 558, MedGen C2674574, MONDO:0012427, OMIM 610168.

Allele frequency attached by ClinVar (database versions not stated): gnomAD 0.00002 and 0.00003; gnomAD exomes 0.00003; TOPMed 0.00003; ExAC 0.00006.
gnomAD v4.1: 46 of 1,608,670 alleles (0.0029%); highest among the groups gnomAD compares: Non-Finnish European, 0.0035%; no homozygotes.

Submissions (4):

Labcorp Genetics (formerly Invitae), Labcorp
Classification: Likely benign for Loeys-Dietz syndrome 2. Last evaluated: 2026-01-13. Review status: criteria provided, single submitter. Criteria: Invitae Variant Classification Sherloc (09022015). Collection method: clinical testing. Allele origin: germline.

Ambry Genetics
Classification: Likely benign. Last evaluated: 2023-04-07. Review status: criteria provided, single submitter. Criteria: Ambry Variant Classification Scheme 2023. Collection method: clinical testing. Allele origin: germline.

GeneDx
Classification: Likely benign. Last evaluated: 2017-09-07. Review status: criteria provided, single submitter. Criteria: GeneDx Variant Classification (06012015). Collection method: clinical testing. Allele origin: germline. Affected: yes.
Comment: This variant is considered likely benign or benign based on one or more of the following criteria: it is a conservative change, it occurs at a poorly conserved position in the protein, it is predicted to be benign by multiple in silico algorithms, and/or has population frequency not consistent with disease.

Breakthrough Genomics
Classification: Likely benign. Review status: criteria provided, single submitter. Criteria: ACMG Guidelines, 2015. Collection method: not provided. Allele origin: germline. Inheritance: Unknown mechanism. Affected: yes.